The following continues an entry in ClinVar:

NM_000059.4(BRCA2):c.5864C>A (p.Ser1955Ter)

Gene: BRCA2. ClinVar aggregate classification (germline): Pathogenic. Pathogenic (1).

Submissions 26 to 31 of 31:

Foulkes Cancer Genetics LDI, Lady Davis Institute for Medical Research
Classification: Pathogenic for Breast and/or ovarian cancer. Last evaluated: 2014-10-13. Review status: no assertion criteria provided. Collection method: clinical testing. Allele origin: germline. Study: The Canadian Open Genetics Repository (COGR). Not counted in ClinVar's aggregate classification.

Research Molecular Genetics Laboratory, Women's College Hospital, University of Toronto
Classification: Pathogenic for Hereditary breast ovarian cancer syndrome. Last evaluated: 2014-01-31. Review status: no assertion criteria provided. Collection method: research. Allele origin: germline. Affected: yes. Study: The Canadian Open Genetics Repository (COGR). Not counted in ClinVar's aggregate classification.

Sharing Clinical Reports Project (SCRP)
Classification: Pathogenic for Breast-ovarian cancer, familial 2. Last evaluated: 2012-07-06. Review status: no assertion criteria provided. Collection method: clinical testing. Allele origin: germline. Not counted in ClinVar's aggregate classification.

Breast Cancer Information Core (BIC) (BRCA2)
Classification: Pathogenic for Breast-ovarian cancer, familial 2. Last evaluated: 2002-05-29. Review status: no assertion criteria provided. Collection method: clinical testing. Allele origin: germline. Affected: yes. Observed: 14 variant alleles. Not counted in ClinVar's aggregate classification.

Department of Pathology and Laboratory Medicine, Sinai Health System
Classification: Pathogenic for Malignant tumor of breast. Review status: no assertion criteria provided. Collection method: clinical testing. Allele origin: unknown. Affected: yes. Study: The Canadian Open Genetics Repository (COGR). Not counted in ClinVar's aggregate classification.
Comment: The BRCA2 p.Ser1955X variant was identified in 3 of 4656 proband chromosomes (frequency: 0.001) from German and multiethnic cohorts of individuals or families with ovarian and breast/other cancers (Meindl 2002, Lubinski 2004). In a study correlating mutation locus to disease risk in BRCA2 positive patients, Lubinski (2004) found that mutations falling within BIC 3035-6629, considered the OCCR (ovarian cancer cluster region), had increased risk of ovarian cancer and decreased risk of breast and prostate cancers compared to nonOCCR regions. In another study assessing HRD (homologous recombination deficiency) in ovarian cancer patients unselected for family history, it was found that patients with germline or somatic mutations in BRCA1, BRCA2 or RAD51C, were likely to have high grade serous tumors, earlier onset diagnosis, and have ovarian/breast cancer within the family (Cunningham 2014). The variant was also identified in dbSNP (ID: rs80358815) â€šÃ„ÃºWith Pathogenic alleleâ€šÃ„Ã¹, but no frequency information was provided, thus the prevalence of this variant in the general population could not be determined; HGMD, Clinvitae database (as pathogenic), the ClinVar database (classified as a pathogenic variant by the Sharing Clinical Reports Project, derived from Myriad reports; in addition to being classified as pathogenic by BIC and Ambry Genetics, likely pathogenic by Counsyl, and classification not provided by Invitae), GeneInsight COGR database (2X, classified as pathogenic and likely pathogenic by 2 clinical laboratories), the BIC database (14X with pathogenic clinical importance), and UMD (1X as a causal variant). The variant was also identified by our laboratory in 1 individual(s) with ovarian cancer.The p.Ser1955X variant leads to a premature stop codon at position 1955, which is predicted to lead to a truncated or absent protein and loss of function. Loss of function variants of the BRCA2 gene are an established mechanism of disease in hereditary breast and ovarian cancer and is the type of variant expected to cause the disorder. In summary, based on the above information, this variant meets our laboratoryâ€šÃ„Ã´s criteria to be classified as pathogenic.

Diagnostic Laboratory, Department of Genetics, University Medical Center Groningen
Classification: Pathogenic for Breast-ovarian cancer, familial, susceptibility to, 2. Review status: no assertion criteria provided. Collection method: clinical testing. Allele origin: germline. Affected: yes. Study: VKGL Data-share Consensus. Not counted in ClinVar's aggregate classification.

Literature cited by the submitters: PubMed 20104584 (cited by Labcorp Genetics (formerly Invitae), Labcorp); PubMed 11802209 (cited by 8 submitters); PubMed 15131399 (cited by 7 submitters); PubMed 16683254 (cited by 5 submitters); PubMed 24504028 (cited by 6 submitters); PubMed 24728189 (cited by 5 submitters); PubMed 26483394 (cited by 5 submitters); PubMed 26586665 (cited by Labcorp Genetics (formerly Invitae), Labcorp); PubMed 27433846 (cited by 5 submitters); PubMed 28324225 (cited by 3 submitters); PubMed 32073954 (cited by Ambry Genetics and Quest Diagnostics Nichols Institute San Juan Capistrano); PubMed 29446198 (cited by 3 submitters); PubMed 29922827 (cited by Mayo Clinic Laboratories, Mayo Clinic and Quest Diagnostics Nichols Institute San Juan Capistrano); PubMed 30702160 (cited by Mayo Clinic Laboratories, Mayo Clinic and Quest Diagnostics Nichols Institute San Juan Capistrano); PubMed 20301425 (cited by Rady Children's Institute for Genomic Medicine, Rady Children's Hospital San Diego); PubMed 29625052 (cited by Rady Children's Institute for Genomic Medicine, Rady Children's Hospital San Diego); PubMed 19340607 (cited by 3 submitters); PubMed 33471991 (cited by 3 submitters); PubMed 36451132 (cited by Quest Diagnostics Nichols Institute San Juan Capistrano); PubMed 26295337 (cited by Quest Diagnostics Nichols Institute San Juan Capistrano); PubMed 12928470 (cited by Color Diagnostics, LLC DBA Color Health and Women's Health and Genetics/Laboratory Corporation of America, LabCorp); PubMed 36149077 (cited by Color Diagnostics, LLC DBA Color Health).